The following is an entry in ClinVar:

ClinVar aggregate classification (germline): Uncertain significance (1 of 4 stars; one submission).

Submission:

Labcorp Genetics (formerly Invitae), Labcorp
Classification: Uncertain significance. Last evaluated: 2025-12-20. Review status: criteria provided, single submitter. Criteria: Invitae Variant Classification Sherloc (09022015). Collection method: clinical testing. Allele origin: germline.
Comment: This sequence change replaces phenylalanine, which is neutral and non-polar, with isoleucine, which is neutral and non-polar, at codon 650 of the VAV1 protein (p.Phe650Ile). This variant is not present in population databases (gnomAD no frequency). This variant has not been reported in the literature in individuals affected with VAV1-related conditions. An algorithm developed to predict the effect of missense changes on protein structure and function (PolyPhen-2) suggests that this variant is likely to be disruptive. In summary, the available evidence is currently insufficient to determine the role of this variant in disease. Therefore, it has been classified as a Variant of Uncertain Significance.

NM_005428.4(VAV1):c.1948T>A (p.Phe650Ile)

Gene: VAV1 (vav guanine nucleotide exchange factor 1; plus strand). Cytogenetic location: 19p13.3.
Variant type: single nucleotide variant.
Coding change: c.1948T>A on transcript NM_005428.4 (MANE Select); coding-DNA position 1948, T replaced by A.
Protein change: p.Phe650Ile; replaces phenylalanine 650 with isoleucine.
Molecular consequence: missense variant. On other transcripts: intron variant (1).
Genome position (GRCh38, 1-based): chr19:6,837,018, T>A. VCF-style: chr19-6837018-T-A. GRCh37 (hg19) VCF-style: chr19-6837029-T-A.
Other names: c.1852T>A, p.Phe618Ile (NM_001258207.2); c.1914+450T>A (NM_001258206.2); short protein forms F650I, F618I.
Identifiers: ClinVar variation 4733702 (VCV004733702.1).
Genomic context (GRCh38, chr19:6,837,018, plus strand): 5'-TCCTGTTTTTGTCTCCTGGGTGTTTAGGGCAGAAATACATCTACTAATGAAATTGGCTGG[T>A]TTCCTTGTAACAGGGTGAAGCCCTATGTCCATGTGAGTGCCTCAAGTCTGAATGGAATAA-3'
Protein context (NP_005419.2, residues 640-660): RNTSTNEIGW[Phe650Ile]PCNRVKPYVH